The following is an entry in ClinVar:

ClinVar aggregate classification (germline): Uncertain significance. Review status: criteria provided, multiple submitters, no conflicts (2 of 4 stars). 2 submissions from 2 submitters: Uncertain significance (2). Last evaluated 2023-04-26.

Conditions:
Hereditary cancer-predisposing syndrome. Also called: Tumor predisposition; Hereditary Cancer Syndrome; Neoplastic Syndromes, Hereditary; Hereditary neoplastic syndrome. Identifiers: Orphanet 140162, MedGen C0027672, MeSH D009386, MONDO:0015356.
Familial cancer of breast. Also called: BREAST CANCER, FAMILIAL; Hereditary breast cancer; hereditary breast carcinoma. Identifiers: Orphanet 227535, MedGen C0346153, MONDO:0016419, OMIM 114480. Disease mechanism: loss of function.

Submissions (2):

Labcorp Genetics (formerly Invitae), Labcorp
Classification: Uncertain significance for Familial cancer of breast. Last evaluated: 2023-04-26. Review status: criteria provided, single submitter. Criteria: Invitae Variant Classification Sherloc (09022015). Collection method: clinical testing. Allele origin: germline.
Comment: In summary, the available evidence is currently insufficient to determine the role of this variant in disease. Therefore, it has been classified as a Variant of Uncertain Significance. Algorithms developed to predict the effect of missense changes on protein structure and function output the following: SIFT: "Not Available"; PolyPhen-2: "Benign"; Align-GVGD: "Not Available". The serine amino acid residue is found in multiple mammalian species, which suggests that this missense change does not adversely affect protein function. ClinVar contains an entry for this variant (Variation ID: 822641). This variant has not been reported in the literature in individuals affected with PALB2-related conditions. This variant is not present in population databases (gnomAD no frequency). This sequence change replaces leucine, which is neutral and non-polar, with serine, which is neutral and polar, at codon 289 of the PALB2 protein (p.Leu289Ser).

Ambry Genetics
Classification: Uncertain significance for Hereditary cancer-predisposing syndrome. Last evaluated: 2019-11-27. Review status: criteria provided, single submitter. Criteria: Ambry Variant Classification Scheme 2023. Collection method: clinical testing. Allele origin: germline.
Comment: The p.L289S variant (also known as c.866T>C), located in coding exon 4 of the PALB2 gene, results from a T to C substitution at nucleotide position 866. The leucine at codon 289 is replaced by serine, an amino acid with dissimilar properties. This amino acid position is not well conserved in available vertebrate species. In addition, this alteration is predicted to be tolerated by in silico analysis. Since supporting evidence is limited at this time, the clinical significance of this alteration remains unclear.

NM_024675.4(PALB2):c.866T>C (p.Leu289Ser)

Gene: PALB2 (partner and localizer of BRCA2; minus strand). Cytogenetic location: 16p12.2.
Variant type: single nucleotide variant.
Coding change: c.866T>C on transcript NM_024675.4 (MANE Select); coding-DNA position 866, T replaced by C.
Protein change: p.Leu289Ser; replaces leucine 289 with serine.
Molecular consequence: missense variant.
Genome position (GRCh38, 1-based): chr16:23,635,680, A>G on the plus strand (T>C on the coding strand, the complement: PALB2 is on the minus strand). VCF-style: chr16-23635680-A-G. GRCh37 (hg19) VCF-style: chr16-23647001-A-G.
Other names: short protein forms L289S.
Identifiers: ClinVar variation 822641 (VCV000822641.7), dbSNP rs1555461574, ClinGen allele CA395135802.
Genomic context (GRCh38, chr16:23,635,680, plus strand): 5'-ATAGCTTTATTTACAAGGAGGTTATCTGTAGAGACAGTCATTTTTTTGCCTTGTGCCTCC[A>G]AACTTACAGGTGAAGTAAATCTAATGTTTTTTAGGTCGTGAGTAGTAAGTTCACTGCTAC-3'
Protein context (NP_078951.2, residues 279-299): KNIRFTSPVS[Leu289Ser]EAQGKKMTVS